The following is an entry in ClinVar:

NM_004725.4(BUB3):c.382C>G (p.Pro128Ala)

Gene: BUB3 (BUB3 mitotic checkpoint protein; plus strand). Cytogenetic location: 10q26.13.
Variant type: single nucleotide variant.
Coding change: c.382C>G on transcript NM_004725.4 (MANE Select); coding-DNA position 382, C replaced by G.
Protein change: p.Pro128Ala; replaces proline 128 with alanine.
Molecular consequence: missense variant.
Genome position (GRCh38, 1-based): chr10:123,157,845, C>G. VCF-style: chr10-123157845-C-G. GRCh37 (hg19) VCF-style: chr10-124917361-C-G.
Other names: c.382C>G, p.Pro128Ala (NM_001007793.3); short protein forms P128A.
Identifiers: ClinVar variation 3262311 (VCV003262311.1).

ClinVar aggregate classification (germline): Uncertain significance (1 of 4 stars; one submission).

Submission:

Ambry Genetics
Classification: Uncertain significance. Last evaluated: 2024-05-19. Review status: criteria provided, single submitter. Criteria: Ambry Variant Classification Scheme 2023. Collection method: clinical testing. Allele origin: germline.
Comment: The p.P128A variant (also known as c.382C>G), located in coding exon 3 of the BUB3 gene, results from a C to G substitution at nucleotide position 382. The proline at codon 128 is replaced by alanine, an amino acid with highly similar properties. This amino acid position is conserved. In addition, the in silico prediction for this alteration is inconclusive. Based on the available evidence, the clinical significance of this variant remains unclear.